The following is an entry in ClinVar:

ClinVar aggregate classification (germline): Conflicting classifications of pathogenicity. Review status: criteria provided, conflicting classifications (1 of 4 stars). 2 submissions from 2 submitters: Pathogenic (1); Uncertain significance (1). Last evaluated 2025-08-12.

Conditions:
Larsen syndrome (LRS). Also called: Larsen syndrome (FLNB-LS); Bilateral dislocation of the knees, pes cavus, cylindrically shaped fingers and characteristic facies. Identifiers: Orphanet 503, MedGen C0175778, MONDO:0007875, OMIM 150250. Disease mechanism: loss of function.

Allele frequency attached by ClinVar (database versions not stated): gnomAD exomes 0.00004; ExAC 0.00007; 1000 Genomes Project 0.00020; 1000 Genomes Project 30x 0.00031.
gnomAD v4.1: 54 of 1,613,178 alleles (0.0033%); highest among the groups gnomAD compares: Admixed American, 0.01%; no homozygotes.

Submissions (2):

Labcorp Genetics (formerly Invitae), Labcorp
Classification: Uncertain significance. Last evaluated: 2025-08-12. Review status: criteria provided, single submitter. Criteria: Invitae Variant Classification Sherloc (09022015). Collection method: clinical testing. Allele origin: germline.
Comment: This sequence change replaces glycine, which is neutral and non-polar, with serine, which is neutral and polar, at codon 1408 of the FLNB protein (p.Gly1408Ser). This variant also falls at the last nucleotide of exon 24, which is part of the consensus splice site for this exon. This variant is present in population databases (rs186956439, gnomAD 0.009%). This variant has not been reported in the literature in individuals affected with FLNB-related conditions. ClinVar contains an entry for this variant (Variation ID: 2413304). An algorithm developed to predict the effect of missense changes on protein structure and function (PolyPhen-2) suggests that this variant is likely to be disruptive. Variants that disrupt the consensus splice site are a relatively common cause of aberrant splicing (PMID: 17576681, 9536098). Algorithms developed to predict the effect of sequence changes on RNA splicing suggest that this variant may disrupt the consensus splice site. In summary, the available evidence is currently insufficient to determine the role of this variant in disease. Therefore, it has been classified as a Variant of Uncertain Significance.

Molecular Genetics and NGS Laboratory, Hospital Fundacion Valle Del Lili
Classification: Pathogenic for Larsen syndrome. Last evaluated: 2024-03-27. Review status: criteria provided, single submitter. Criteria: ACMG Guidelines, 2015. Collection method: clinical testing. Allele origin: germline. Affected: yes. Observed: 1 variant allele.

Literature cited by the submitters: PubMed 17576681 (cited by Labcorp Genetics (formerly Invitae), Labcorp); PubMed 9536098 (cited by Labcorp Genetics (formerly Invitae), Labcorp).

NM_001457.4(FLNB):c.4222G>A (p.Gly1408Ser)

Gene: FLNB (filamin B; plus strand). Cytogenetic location: 3p14.3.
Variant type: single nucleotide variant.
Coding change: c.4222G>A on transcript NM_001457.4 (MANE Select); coding-DNA position 4222, G replaced by A.
Protein change: p.Gly1408Ser; replaces glycine 1408 with serine.
Molecular consequence: missense variant.
Genome position (GRCh38, 1-based): chr3:58,126,762, G>A. VCF-style: chr3-58126762-G-A. GRCh37 (hg19) VCF-style: chr3-58112489-G-A.
Other names: p.Gly1408Ser; c.4222G>A, p.Gly1408Ser (NM_001164317.2, NM_001164318.2, NM_001164319.2); short protein forms G1408S.
Identifiers: ClinVar variation 2413304 (VCV002413304.8), dbSNP rs186956439, ClinGen allele CA2468686.